The following is an entry in ClinVar:

NM_001042492.3(NF1):c.360T>G (p.Phe120Leu)

Gene: NF1 (neurofibromin 1; plus strand). Cytogenetic location: 17q11.2.
Variant type: single nucleotide variant.
Coding change: c.360T>G on transcript NM_001042492.3 (MANE Select); coding-DNA position 360, T replaced by G.
Protein change: p.Phe120Leu; replaces phenylalanine 120 with leucine.
Molecular consequence: missense variant.
Genome position (GRCh38, 1-based): chr17:31,163,257, T>G. VCF-style: chr17-31163257-T-G. GRCh37 (hg19) VCF-style: chr17-29490275-T-G.
Other names: c.360T>G, p.Phe120Leu (NM_000267.4, NM_001128147.3); short protein forms F120L.
Identifiers: ClinVar variation 2837257 (VCV002837257.3), dbSNP rs1597635781, ClinGen allele CA398981786.
Genomic context (GRCh38, chr17:31,163,257, plus strand): 5'-CACAATGAGATTAGATGAAACGATGCTGGTCAAACAGTTGCTGCCAGAAATCTGCCATTT[T>G]CTTCACACCTGTCGTGAAGGAAACCAGCATGCAGCTGAACTTCGGAATTCTGCCTCTGGG-3'
Protein context (NP_001035957.1, residues 110-130): VKQLLPEICH[Phe120Leu]LHTCREGNQH

ClinVar aggregate classification (germline): Uncertain significance (1 of 4 stars; one submission).

Conditions:
Neurofibromatosis, type 1 (NF1). Also called: VON RECKLINGHAUSEN DISEASE; NEUROFIBROMATOSIS, TYPE I, SOMATIC; Neurofibromatosis, type I; Peripheral type neurofibromatosis. Identifiers: Orphanet 636, MedGen C0027831, MONDO:0018975, OMIM 162200. Disease mechanism: loss of function.

gnomAD v4.1: 1 of 1,614,170 alleles (0.000062%); no homozygotes.

Submission:

Labcorp Genetics (formerly Invitae), Labcorp
Classification: Uncertain significance for Neurofibromatosis, type 1. Last evaluated: 2024-12-13. Review status: criteria provided, single submitter. Criteria: Invitae Variant Classification Sherloc (09022015). Collection method: clinical testing. Allele origin: germline.
Comment: This sequence change replaces phenylalanine, which is neutral and non-polar, with leucine, which is neutral and non-polar, at codon 120 of the NF1 protein (p.Phe120Leu). This variant is not present in population databases (gnomAD no frequency). This variant has not been reported in the literature in individuals affected with NF1-related conditions. ClinVar contains an entry for this variant (Variation ID: 2837257). Invitae Evidence Modeling of protein sequence and biophysical properties (such as structural, functional, and spatial information, amino acid conservation, physicochemical variation, residue mobility, and thermodynamic stability) indicates that this missense variant is expected to disrupt NF1 protein function with a positive predictive value of 95%. In summary, the available evidence is currently insufficient to determine the role of this variant in disease. Therefore, it has been classified as a Variant of Uncertain Significance.